The following is an entry in ClinVar:

NM_005070.4(SLC4A3):c.642_659dup (p.Lys219_Ser220insArgLeuAlaGlyGluLys)

Gene: SLC4A3 (solute carrier family 4 member 3; plus strand). Cytogenetic location: 2q35.
Variant type: Duplication.
Coding change: c.642_659dup on transcript NM_005070.4 (MANE Select); coding-DNA positions 642 to 659, 18 bases duplicated (ACTCGCTGGGGAGAAAAG).
Protein change: p.Lys219_Ser220insArgLeuAlaGlyGluLys.
Molecular consequence: non-coding transcript variant (on NR_048551.2).
Genome position (GRCh38, 1-based): chr2:219,630,183-219,630,200, ACTCGCTGGGGAGAAAAG duplicated; duplicating any 18 consecutive bases within chr2:219,630,182-219,630,200 gives the same sequence; the c. name uses the placement nearest the transcript's 3' end. VCF-style (leftmost placement, unchanged base first): chr2-219630181-C-CGACTCGCTGGGGAGAAAA. GRCh37 (hg19) VCF-style: chr2-220494903-C-CGACTCGCTGGGGAGAAAA.
Other names: c.723_740dup, p.Lys246_Ser247insArgLeuAlaGlyGluLys (NM_001326559.2, NM_201574.3); c.723_740dup18 (NM_201574.2).
Identifiers: ClinVar variation 3894704 (VCV003894704.2), dbSNP rs535692984.
Genomic context (GRCh38, chr2:219,630,181, plus strand): 5'-TCAAGTCCAAGGCTGCTGTGTTGCCTCCCCAGCTCCCCCAGCCCCCGGGCCCGGGCCTCC[C>CGACTCGCTGGGGAGAAAA]GACTCGCTGGGGAGAAAAGCCGGCCCTGGAGCCCATCGGCCAGTTATGACCTGCGGGAGC-3'

ClinVar aggregate classification (germline): Likely benign. Review status: criteria provided, multiple submitters, no conflicts (2 of 4 stars). 2 submissions from 2 submitters: Likely benign (2). Last evaluated 2025-07-10.

Conditions:
SLC4A3-related disorder. Also called: SLC4A3-related condition.

Submissions (2):

PreventionGenetics, part of Exact Sciences
Classification: Likely benign for SLC4A3-related condition. Last evaluated: 2025-07-10. Review status: criteria provided, single submitter. Criteria: ACMG Guidelines, 2015. Collection method: clinical testing. Allele origin: germline.
Comment: This variant is classified as likely benign based on ACMG/AMP sequence variant interpretation guidelines (Richards et al. 2015 PMID: 25741868, with internal and published modifications).

Molecular Diagnostic Laboratory for Inherited Cardiovascular Disease, Montreal Heart Institute
Classification: Likely benign. Last evaluated: 2025-04-09. Review status: criteria provided, single submitter. Criteria: ACMG Guidelines, 2015. Collection method: clinical testing. Allele origin: germline. Affected: no.